The following is an entry in ClinVar:

ClinVar aggregate classification (germline): Uncertain significance (1 of 4 stars; one submission).

Conditions:
Progressive myoclonic epilepsy. Also called: Familial progressive myoclonic epilepsy; Myoclonus epilepsy; Progressive myoclonus epilepsy; Myoclonic Epilepsies, Progressive. Identifiers: Orphanet 308, Orphanet 98261, MedGen C0751778, MONDO:0020074.

Allele frequency attached by ClinVar (database versions not stated): gnomAD exomes below 0.00001.
gnomAD v4.1: 2 of 1,614,218 alleles (0.00012%); highest among the groups gnomAD compares: Admixed American, 0.0033%; no homozygotes.

Submission:

Labcorp Genetics (formerly Invitae), Labcorp
Classification: Uncertain significance for Progressive myoclonic epilepsy. Last evaluated: 2023-03-23. Review status: criteria provided, single submitter. Criteria: Invitae Variant Classification Sherloc (09022015). Collection method: clinical testing. Allele origin: germline.
Comment: Advanced modeling of protein sequence and biophysical properties (such as structural, functional, and spatial information, amino acid conservation, physicochemical variation, residue mobility, and thermodynamic stability) performed at Invitae indicates that this missense variant is not expected to disrupt SCARB2 protein function. In summary, the available evidence is currently insufficient to determine the role of this variant in disease. Therefore, it has been classified as a Variant of Uncertain Significance. ClinVar contains an entry for this variant (Variation ID: 462927). This variant has not been reported in the literature in individuals affected with SCARB2-related conditions. This variant is not present in population databases (gnomAD no frequency). This sequence change replaces isoleucine, which is neutral and non-polar, with methionine, which is neutral and non-polar, at codon 301 of the SCARB2 protein (p.Ile301Met).

NM_005506.4(SCARB2):c.903A>G (p.Ile301Met)

Gene: SCARB2 (scavenger receptor class B member 2; minus strand). Cytogenetic location: 4q21.1.
Variant type: single nucleotide variant.
Coding change: c.903A>G on transcript NM_005506.4 (MANE Select); coding-DNA position 903, A replaced by G.
Protein change: p.Ile301Met; replaces isoleucine 301 with methionine.
Molecular consequence: missense variant.
Genome position (GRCh38, 1-based): chr4:76,174,235, T>C on the plus strand (A>G on the coding strand, the complement: SCARB2 is on the minus strand). VCF-style: chr4-76174235-T-C. GRCh37 (hg19) VCF-style: chr4-77095388-T-C.
Other names: c.474A>G, p.Ile158Met (NM_001204255.2); short protein forms I301M, I158M.
Identifiers: ClinVar variation 462927 (VCV000462927.8), dbSNP rs1485497925, ClinGen allele CA357315845.